The following is an entry in ClinVar:

NM_001134407.3(GRIN2A):c.2168+3A>G

Gene: GRIN2A (glutamate ionotropic receptor NMDA type subunit 2A; minus strand). Cytogenetic location: 16p13.2.
Variant type: single nucleotide variant.
Coding change: c.2168+3A>G on transcript NM_001134407.3 (MANE Select); 3 bases into the intron after coding-DNA position 2168, A replaced by G.
Molecular consequence: intron variant.
Genome position (GRCh38, 1-based): chr16:9,822,261, T>C on the plus strand (A>G on the coding strand, the complement: GRIN2A is on the minus strand). VCF-style: chr16-9822261-T-C. GRCh37 (hg19) VCF-style: chr16-9916118-T-C.
Other names: c.2168+3A>G (NM_001134408.2, NM_000833.5).
Identifiers: ClinVar variation 4883164 (VCV004883164.2).

ClinVar aggregate classification (germline): Uncertain significance (1 of 4 stars; one submission).

Submission:

Dasa
Classification: Uncertain significance. Last evaluated: 2024-10-09. Review status: criteria provided, single submitter. Criteria: DASA Assertion Criteria. Collection method: clinical testing. Allele origin: germline.
Comment: NM_001134407.3(GRIN2A):c.2168+3A>G is a splice-region variant. This variant is absent from population databases. Computational prediction algorithms are consistent with a benign effect. The currently available literature and clinical evidence are not sufficient to establish a definitive association between this variant and the reported condition. Therefore, this variant is classified as a variant of uncertain significance.